The following is an entry in ClinVar:

NM_206933.4(USH2A):c.1522G>A (p.Ala508Thr)

Gene: USH2A (usherin; minus strand). Cytogenetic location: 1q41.
Variant type: single nucleotide variant.
Coding change: c.1522G>A on transcript NM_206933.4 (MANE Select); coding-DNA position 1522, G replaced by A.
Protein change: p.Ala508Thr; replaces alanine 508 with threonine.
Molecular consequence: missense variant.
Genome position (GRCh38, 1-based): chr1:216,323,502, C>T on the plus strand (G>A on the coding strand, the complement: USH2A is on the minus strand). VCF-style: chr1-216323502-C-T. GRCh37 (hg19) VCF-style: chr1-216496844-C-T.
Other names: c.1522G>A, p.Ala508Thr (NM_007123.6); short protein forms A508T.
Identifiers: ClinVar variation 48458 (VCV000048458.11), dbSNP rs397517999, ClinGen allele CA143390.

ClinVar aggregate classification (germline): Uncertain significance. Review status: criteria provided, multiple submitters, no conflicts (2 of 4 stars). 5 submissions from 4 submitters: Uncertain significance (5). Last evaluated 2025-10-14.

Conditions:
Retinitis pigmentosa 39 (RP39). Identifiers: Orphanet 791, MedGen C3151138, MONDO:0013436, OMIM 613809.
Usher syndrome type 2A. Also called: RETINAL DISEASE IN USHER SYNDROME TYPE IIA, MODIFIER OF; USHER SYNDROME, TYPE IIA. Identifiers: Orphanet 231178, Orphanet 886, MedGen C1848634, MONDO:0010169, OMIM 276901.

Submissions (5):

Labcorp Genetics (formerly Invitae), Labcorp
Classification: Uncertain significance. Last evaluated: 2025-10-14. Review status: criteria provided, single submitter. Criteria: Invitae Variant Classification Sherloc (09022015). Collection method: clinical testing. Allele origin: germline.
Comment: This sequence change replaces alanine, which is neutral and non-polar, with threonine, which is neutral and polar, at codon 508 of the USH2A protein (p.Ala508Thr). This variant is not present in population databases (gnomAD no frequency). This missense change has been observed in individual(s) with USH2A-related conditions (PMID: 36785559). ClinVar contains an entry for this variant (Variation ID: 48458). Invitae Evidence Modeling of protein sequence and biophysical properties (such as structural, functional, and spatial information, amino acid conservation, physicochemical variation, residue mobility, and thermodynamic stability) indicates that this missense variant is not expected to disrupt USH2A protein function with a negative predictive value of 95%. In summary, the available evidence is currently insufficient to determine the role of this variant in disease. Therefore, it has been classified as a Variant of Uncertain Significance.

Genome-Nilou Lab
Classification: Uncertain significance for Retinitis pigmentosa 39. Last evaluated: 2023-11-04. Review status: criteria provided, single submitter. Criteria: ACMG Guidelines, 2015. Collection method: clinical testing. Allele origin: germline. Affected: no.

Genome-Nilou Lab
Classification: Uncertain significance for Usher syndrome type 2A. Last evaluated: 2023-11-04. Review status: criteria provided, single submitter. Criteria: ACMG Guidelines, 2015. Collection method: clinical testing. Allele origin: germline. Affected: no.

Eurofins Ntd Llc (ga)
Classification: Uncertain significance. Last evaluated: 2016-11-11. Review status: criteria provided, single submitter. Criteria: EGL Classification Definitions 2015. Collection method: clinical testing. Allele origin: germline. Observed: 1 variant allele, 1 heterozygote.

Laboratory for Molecular Medicine, Mass General Brigham Personalized Medicine
Classification: Uncertain significance. Last evaluated: 2013-07-11. Review status: criteria provided, single submitter. Criteria: LMM Criteria. Collection method: clinical testing. Allele origin: germline. Inheritance: Autosomal recessive inheritance. Observed: 1 variant allele.
Comment: proposed classification - variant undergoing re-assessment, contact laboratory

Literature cited by the submitters: PubMed 36785559 (cited by Labcorp Genetics (formerly Invitae), Labcorp).